The following is an entry in ClinVar:

ClinVar aggregate classification (germline): Likely benign. Review status: criteria provided, multiple submitters, no conflicts (2 of 4 stars). 3 submissions from 3 submitters: Likely benign (3). Last evaluated 2023-12-22.

Conditions:
Cardiovascular phenotype. Identifiers: MedGen CN230736.
Brugada syndrome. Also called: Sudden unexplained nocturnal death syndrome; Sudden unexpected nocturnal death syndrome; Sudden Unexplained Death Syndrome; Sudden Unexplained Nocturnal Death Syndrome (SUNDS). Identifiers: Orphanet 130, MedGen C1142166, MONDO:0015263.

Allele frequency attached by ClinVar (database versions not stated): TOPMed below 0.00001; ExAC 0.00001; gnomAD exomes 0.00001.
gnomAD v4.1: 9 of 1,614,036 alleles (0.00056%); highest among the groups gnomAD compares: Non-Finnish European, 0.00076%; no homozygotes.

Submissions (3):

Labcorp Genetics (formerly Invitae), Labcorp
Classification: Likely benign for Brugada syndrome. Last evaluated: 2023-12-22. Review status: criteria provided, single submitter. Criteria: Invitae Variant Classification Sherloc (09022015). Collection method: clinical testing. Allele origin: germline.

CeGaT Center for Human Genetics Tuebingen
Classification: Likely benign. Last evaluated: 2022-04-01. Review status: criteria provided, single submitter. Criteria: CeGaT Center For Human Genetics Tuebingen Variant Classification Criteria Version 2. Collection method: clinical testing. Allele origin: germline. Affected: yes. Observed: 1 variant allele.
Comment: SCN10A: BP4, BP7

Ambry Genetics
Classification: Likely benign for Cardiovascular phenotype. Last evaluated: 2020-08-09. Review status: criteria provided, single submitter. Criteria: Ambry Variant Classification Scheme 2023. Collection method: clinical testing. Allele origin: germline.

NM_006514.4(SCN10A):c.630G>A (p.Gly210=)

Gene: SCN10A (sodium voltage-gated channel alpha subunit 10; minus strand). Cytogenetic location: 3p22.2.
Variant type: single nucleotide variant.
Coding change: c.630G>A on transcript NM_006514.4 (MANE Select); coding-DNA position 630, G replaced by A.
Protein change: p.Gly210=; no amino-acid change (glycine 210 retained).
Molecular consequence: synonymous variant.
Genome position (GRCh38, 1-based): chr3:38,763,566, C>T on the plus strand (G>A on the coding strand, the complement: SCN10A is on the minus strand). VCF-style: chr3-38763566-C-T. GRCh37 (hg19) VCF-style: chr3-38805057-C-T.
Other names: c.630G>A, p.Gly210= (NM_001293306.2, NM_001293307.2).
Identifiers: ClinVar variation 761314 (VCV000761314.40), dbSNP rs750830318, ClinGen allele CA2321125.